The following is an entry in ClinVar:

Conditions:
Breast-ovarian cancer, familial, susceptibility to, 1 (BROVCA1). Also called: BRCA1 Hereditary Breast and Ovarian Cancer; OVARIAN CANCER, SUSCEPTIBILITY TO. Identifiers: Orphanet 145, MedGen C2676676, MONDO:0011450, OMIM 604370. Disease mechanism: loss of function.

Submission:

Brotman Baty Institute, University of Washington
No classification provided (evidence only). Condition: Breast-ovarian cancer, familial 1. Review status: no classification provided. Collection method: in vitro. Allele origin: not applicable. Functional consequence: functionally_normal.
ClinVar note: "not provided" was previously submitted as the classification for the variant. However, the classification appeared to be based only on an observation of functional data so it was converted to no classification on 2025-07-30.

NM_007294.4(BRCA1):c.81-9C>T

Gene: BRCA1 (BRCA1 DNA repair associated; minus strand). Cytogenetic location: 17q21.31.
Variant type: single nucleotide variant.
Coding change: c.81-9C>T on transcript NM_007294.4 (MANE Select); 9 bases into the intron before coding-DNA position 81, C replaced by T.
Molecular consequence: intron variant.
Genome position (GRCh38, 1-based): chr17:43,115,788, G>A on the plus strand (C>T on the coding strand, the complement: BRCA1 is on the minus strand). VCF-style: chr17-43115788-G-A. GRCh37 (hg19) VCF-style: chr17-41267805-G-A.
Other names: c.-219+9483C>T (NM_001407966.1); c.-170+9483C>T (NM_001407963.1); c.-7-9255C>T (NM_001408511.1, NM_001408457.1, NM_001407692.1 and 2 more transcripts); c.-223-9C>T (NM_001407960.1, NM_001407962.1, NM_001408512.1 and 1 more transcripts); c.-61-9C>T (NM_001408505.1, NM_001407964.1, NM_001407844.1 and 47 more transcripts); c.-108-9C>T (NM_001407899.1, NM_001408507.1, NM_001407958.1 and 52 more transcripts); c.81-9C>T (NM_001408495.1, NM_001408448.1, NM_001408421.1 and 191 more transcripts); c.-8+8229C>T (NM_001407936.1, NM_001407849.1, NM_001407845.1 and 23 more transcripts); and 10 more.
Identifiers: ClinVar variation 867769 (VCV000867769.3), dbSNP rs80358127, ClinGen allele CA916081041.